The following is an entry in ClinVar:

ClinVar aggregate classification (germline): Uncertain significance (1 of 4 stars; one submission).

Submission:

MVZ Praenatalmedizin und Genetik Nuernberg
Classification: Uncertain significance. Last evaluated: 2026-01-12. Review status: criteria provided, single submitter. Criteria: ACMG Guidelines, 2015. Collection method: clinical testing. Allele origin: germline.
Comment: This variant is also rare (gnomAD v4: 13/1599542 alleles, not previously described in ClinVar or the literature). This is a so-called missense variant in the highly conserved DNA-binding domain, where there is virtually no benign variation in the ClinVar database. In silico classification programs indicate a pathogenic tendency. Pathogenic changes in the NFIX gene are associated with Malan and Marshall-Smith syndromes in an autosomal dominant manner (OMIM #614753, 602535). Typical symptoms may also include corpus callosum agenesis and ventricular dilation (as observed in the fetus), but additionally other abnormalities such as macrocephaly, omphalocele, and others, making the classification unclear. In summary, based on the current data, we assess this to be a variant of uncertain clinical significance (VUS).

NM_001365902.3(NFIX):c.30T>G (p.Asp10Glu)

Gene: NFIX (nuclear factor I X; plus strand). Cytogenetic location: 19p13.13.
Variant type: single nucleotide variant.
Coding change: c.30T>G on transcript NM_001365902.3 (MANE Select); coding-DNA position 30, T replaced by G.
Protein change: p.Asp10Glu; replaces aspartic acid 10 with glutamic acid.
Molecular consequence: missense variant. On other transcripts: 5 prime UTR variant (1).
Genome position (GRCh38, 1-based): chr19:13,025,023, T>G. VCF-style: chr19-13025023-T-G. GRCh37 (hg19) VCF-style: chr19-13135837-T-G.
Other names: c.6T>G, p.Asp2Glu (NM_001378404.1, NM_001440616.1, NM_001440617.1 and 1 more transcripts); c.78T>G, p.Asp26Glu (NM_001378405.1); c.30T>G, p.Asp10Glu (NM_002501.4, NM_001365982.2); c.54T>G, p.Asp18Glu (NM_001271043.2); c.-112T>G (NM_001365983.2); c.27T>G, p.Asp9Glu (NM_001365984.2, NM_001365985.2); short protein forms D10E, D18E, D26E, D2E, D9E.
Identifiers: ClinVar variation 4888439 (VCV004888439.1).